The following is an entry in ClinVar:

ClinVar aggregate classification (germline): Uncertain significance (1 of 4 stars; one submission).

Conditions:
Inborn genetic diseases. Identifiers: MedGen C0950123, MeSH D030342.

Submission:

Ambry Genetics
Classification: Uncertain significance for Inborn genetic diseases. Last evaluated: 2025-05-31. Review status: criteria provided, single submitter. Criteria: Ambry Variant Classification Scheme 2023. Collection method: clinical testing. Allele origin: germline.
Comment: The p.F461L variant (also known as c.1381T>C), located in coding exon 8 of the FANCM gene, results from a T to C substitution at nucleotide position 1381. The phenylalanine at codon 461 is replaced by leucine, an amino acid with highly similar properties. This amino acid position is conserved. In addition, this alteration is predicted to be tolerated by in silico analysis. Based on the available evidence, the clinical significance of this variant remains unclear.

NM_020937.4(FANCM):c.1381T>C (p.Phe461Leu)

Gene: FANCM (FA complementation group M; plus strand). Cytogenetic location: 14q21.2.
Variant type: single nucleotide variant.
Coding change: c.1381T>C on transcript NM_020937.4 (MANE Select); coding-DNA position 1381, T replaced by C.
Protein change: p.Phe461Leu; replaces phenylalanine 461 with leucine.
Molecular consequence: missense variant.
Genome position (GRCh38, 1-based): chr14:45,155,444, T>C. VCF-style: chr14-45155444-T-C. GRCh37 (hg19) VCF-style: chr14-45624647-T-C.
Other names: c.1303T>C, p.Phe435Leu (NM_001308133.2); c.1381T>C, p.Phe461Leu (NM_001308134.2); short protein forms F461L, F435L.
Identifiers: ClinVar variation 4022828 (VCV004022828.1).
Genomic context (GRCh38, chr14:45,155,444, plus strand): 5'-AAAAAATTTGTTTATAGTCATCCAAAGTTAAAGAAATTAGAAGAAGTTGTAATTGAACAC[T>C]TCAAGTCATGGAATGGTAGGTCATATTTAGTAGCTTTAAGGCAAGACAAAGTTATTGCAA-3'
Protein context (NP_065988.1, residues 451-471): KKLEEVVIEH[Phe461Leu]KSWNAENTTE